The following is an entry in ClinVar:

NM_005996.4(TBX3):c.973G>A (p.Ala325Thr)

Gene: TBX3 (T-box transcription factor 3; minus strand). Cytogenetic location: 12q24.21.
Variant type: single nucleotide variant.
Coding change: c.973G>A on transcript NM_005996.4 (MANE Select); coding-DNA position 973, G replaced by A.
Protein change: p.Ala325Thr; replaces alanine 325 with threonine.
Molecular consequence: missense variant.
Genome position (GRCh38, 1-based): chr12:114,676,379, C>T on the plus strand (G>A on the coding strand, the complement: TBX3 is on the minus strand). VCF-style: chr12-114676379-C-T. GRCh37 (hg19) VCF-style: chr12-115114184-C-T.
Other names: c.1033G>A, p.Ala345Thr (NM_016569.4); short protein forms A325T, A345T.
Identifiers: ClinVar variation 2835763 (VCV002835763.3), dbSNP rs2499790211, ClinGen allele CA386869896.

ClinVar aggregate classification (germline): Uncertain significance (1 of 4 stars; one submission).

Conditions:
Ulnar-mammary syndrome (UMS). Also called: Ulnar-mammary syndrome of Pallister; PALLISTER ULNAR-MAMMARY SYNDROME; SCHINZEL SYNDROME. Identifiers: Orphanet 3138, MedGen C1866994, MONDO:0008411, OMIM 181450.

Submission:

Labcorp Genetics (formerly Invitae), Labcorp
Classification: Uncertain significance for Ulnar-mammary syndrome. Last evaluated: 2023-11-22. Review status: criteria provided, single submitter. Criteria: Invitae Variant Classification Sherloc (09022015). Collection method: clinical testing. Allele origin: germline.
Comment: This sequence change replaces alanine, which is neutral and non-polar, with threonine, which is neutral and polar, at codon 325 of the TBX3 protein (p.Ala325Thr). This variant is not present in population databases (gnomAD no frequency). This variant has not been reported in the literature in individuals affected with TBX3-related conditions. Algorithms developed to predict the effect of missense changes on protein structure and function output the following: SIFT: "Not Available"; PolyPhen-2: "Benign"; Align-GVGD: "Not Available". The threonine amino acid residue is found in multiple mammalian species, which suggests that this missense change does not adversely affect protein function. In summary, the available evidence is currently insufficient to determine the role of this variant in disease. Therefore, it has been classified as a Variant of Uncertain Significance.